The following is an entry in ClinVar:

ClinVar aggregate classification (germline): Pathogenic (1 of 4 stars; one submission).

Allele frequency attached by ClinVar (database versions not stated): gnomAD exomes below 0.00001.
gnomAD v4.1: 2 of 1,557,754 alleles (0.00013%); highest among the groups gnomAD compares: Admixed American, 0.0018%; no homozygotes.

Submission:

Labcorp Genetics (formerly Invitae), Labcorp
Classification: Pathogenic. Last evaluated: 2025-04-03. Review status: criteria provided, single submitter. Criteria: Invitae Variant Classification Sherloc (09022015). Collection method: clinical testing. Allele origin: germline.
Comment: This sequence change creates a premature translational stop signal (p.Arg487*) in the TCF3 gene. It is expected to result in an absent or disrupted protein product. Loss-of-function variants in TCF3 are known to be pathogenic (PMID: 24216514, 30063982, 37277074). This variant is present in population databases (no rsID available, gnomAD no frequency). This variant has not been reported in the literature in individuals affected with TCF3-related conditions. ClinVar contains an entry for this variant (Variation ID: 1450388). For these reasons, this variant has been classified as Pathogenic.

Literature cited by the submitters: PubMed 24216514; PubMed 30063982; PubMed 37277074.

NM_003200.5(TCF3):c.1459C>T (p.Arg487Ter)

Gene: TCF3 (transcription factor 3; minus strand). Cytogenetic location: 19p13.3.
Variant type: single nucleotide variant.
Coding change: c.1459C>T on transcript NM_003200.5 (MANE Select); coding-DNA position 1459, C replaced by T.
Protein change: p.Arg487Ter; replaces arginine 487 with a stop codon.
Molecular consequence: nonsense.
Genome position (GRCh38, 1-based): chr19:1,615,813, G>A on the plus strand (C>T on the coding strand, the complement: TCF3 is on the minus strand). VCF-style: chr19-1615813-G-A. GRCh37 (hg19) VCF-style: chr19-1615812-G-A.
Other names: c.1459C>T, p.Arg487Ter (NM_001136139.4, NM_001351779.2); c.1456C>T, p.Arg486Ter (NM_001351778.2); short protein forms R486*, R487*.
Identifiers: ClinVar variation 1450388 (VCV001450388.6), dbSNP rs771807324, ClinGen allele CA403051789.